The following is an entry in ClinVar:

ClinVar aggregate classification (germline): Uncertain significance (1 of 4 stars; one submission).

Submission:

Mayo Clinic Laboratories, Mayo Clinic
Classification: Uncertain significance. Last evaluated: 2025-07-16. Review status: criteria provided, single submitter. Criteria: ACMG Guidelines, 2015. Collection method: clinical testing. Allele origin: germline. Observed: 1 variant allele.
Comment: BP4_moderate, PM2_supporting

NM_000216.4(ANOS1):c.1583G>A (p.Gly528Glu)

Gene: ANOS1 (anosmin 1; minus strand). Cytogenetic location: Xp22.31.
Variant type: single nucleotide variant.
Coding change: c.1583G>A on transcript NM_000216.4 (MANE Select); coding-DNA position 1583, G replaced by A.
Protein change: p.Gly528Glu; replaces glycine 528 with glutamic acid.
Molecular consequence: missense variant.
Genome position (GRCh38, 1-based): chrX:8,536,809, C>T on the plus strand (G>A on the coding strand, the complement: ANOS1 is on the minus strand). VCF-style: chrX-8536809-C-T. GRCh37 (hg19) VCF-style: chrX-8504850-C-T.
Other names: p.Gly528Glu; short protein forms G528E.
Identifiers: ClinVar variation 4542475 (VCV004542475.1).